The following is an entry in ClinVar:

ClinVar aggregate classification (germline): Uncertain significance (1 of 4 stars; one submission).

Submission:

GeneDx
Classification: Uncertain significance. Last evaluated: 2022-01-27. Review status: criteria provided, single submitter. Criteria: GeneDx Variant Classification Process June 2021. Collection method: clinical testing. Allele origin: germline. Affected: yes.
Comment: Not observed at significant frequency in large population cohorts (gnomAD); In silico analysis supports that this missense variant has a deleterious effect on protein structure/function; Has not been previously published as pathogenic or benign to our knowledge

NM_014159.7(SETD2):c.3913T>C (p.Tyr1305His)

Gene: SETD2 (SET domain containing 2, histone lysine methyltransferase; minus strand). Cytogenetic location: 3p21.31.
Variant type: single nucleotide variant.
Coding change: c.3913T>C on transcript NM_014159.7 (MANE Select); coding-DNA position 3913, T replaced by C.
Protein change: p.Tyr1305His; replaces tyrosine 1305 with histidine.
Molecular consequence: missense variant. On other transcripts: non-coding transcript variant (1).
Genome position (GRCh38, 1-based): chr3:47,120,723, A>G on the plus strand (T>C on the coding strand, the complement: SETD2 is on the minus strand). VCF-style: chr3-47120723-A-G. GRCh37 (hg19) VCF-style: chr3-47162213-A-G.
Other names: c.3781T>C, p.Tyr1261His (NM_001349370.3); short protein forms Y1261H, Y1305H.
Identifiers: ClinVar variation 1699814 (VCV001699814.2), dbSNP rs2107745196, ClinGen allele CA352519676.
Genomic context (GRCh38, chr3:47,120,723, plus strand): 5'-CTTGAGTTCGATCATACACAACCCCAGTTCCAGGAGGTCTACCTGATCTTGGATCCCAGT[A>G]ACCATTGCCTTGCCAGTAATCACGTGTCCCACCATACTGTTCTGCATTTTGCTGATACTT-3'
Protein context (NP_054878.5, residues 1295-1315): GTRDYWQGNG[Tyr1305His]WDPRSGRPPG